The following is an entry in ClinVar:

ClinVar aggregate classification (germline): Uncertain significance (1 of 4 stars; one submission).

gnomAD v4.1: 44 of 1,600,678 alleles (0.0027%); highest among the groups gnomAD compares: East Asian, 0.023%; 1 homozygote.

Submission:

Labcorp Genetics (formerly Invitae), Labcorp
Classification: Uncertain significance. Last evaluated: 2025-11-10. Review status: criteria provided, single submitter. Criteria: Invitae Variant Classification Sherloc (09022015). Collection method: clinical testing. Allele origin: germline.
Comment: This sequence change falls in intron 1 of the TOP1MT gene. It does not directly change the encoded amino acid sequence of the TOP1MT protein. It affects a nucleotide within the consensus splice site. This variant is present in population databases (rs763071805, gnomAD 0.03%). This variant has not been reported in the literature in individuals affected with TOP1MT-related conditions. ClinVar contains an entry for this variant (Variation ID: 3711440). Variants that disrupt the consensus splice site are a relatively common cause of aberrant splicing (PMID: 17576681, 9536098). Algorithms developed to predict the effect of sequence changes on RNA splicing suggest that this variant is not likely to affect RNA splicing. In summary, the available evidence is currently insufficient to determine the role of this variant in disease. Therefore, it has been classified as a Variant of Uncertain Significance.

Literature cited by the submitters: PubMed 17576681; PubMed 9536098.

NM_052963.3(TOP1MT):c.122+6G>T

Gene: TOP1MT (DNA topoisomerase I mitochondrial; minus strand). Cytogenetic location: 8q24.3.
Variant type: single nucleotide variant.
Coding change: c.122+6G>T on transcript NM_052963.3 (MANE Select); 6 bases into the intron after coding-DNA position 122, G replaced by T.
Molecular consequence: intron variant.
Genome position (GRCh38, 1-based): chr8:143,334,734, C>A on the plus strand (G>T on the coding strand, the complement: TOP1MT is on the minus strand). VCF-style: chr8-143334734-C-A. GRCh37 (hg19) VCF-style: chr8-144416904-C-A.
Other names: c.-172-3395G>T (NM_001258447.1, NM_001258446.1).
Identifiers: ClinVar variation 3711440 (VCV003711440.2).